The following is an entry in ClinVar:

NM_172369.5(C1QC):c.293T>G (p.Val98Gly)

Gene: C1QC (complement C1q C chain; plus strand). Cytogenetic location: 1p36.12.
Variant type: single nucleotide variant.
Coding change: c.293T>G on transcript NM_172369.5 (MANE Select); coding-DNA position 293, T replaced by G.
Protein change: p.Val98Gly; replaces valine 98 with glycine.
Molecular consequence: missense variant.
Genome position (GRCh38, 1-based): chr1:22,647,338, T>G. VCF-style: chr1-22647338-T-G. GRCh37 (hg19) VCF-style: chr1-22973831-T-G.
Other names: c.293T>G, p.Val98Gly (NM_001114101.3, NM_001347619.2); c.26T>G, p.Val9Gly (NM_001347620.2); c.293T>G (NM_172369.3); short protein forms V98G, V9G.
Identifiers: ClinVar variation 1922432 (VCV001922432.6), dbSNP rs573280002, ClinGen allele CA677946.
Genomic context (GRCh38, chr1:22,647,338, plus strand): 5'-CCGGCTTACCCGGCCATCCTGGGAAAAATGGCCCCATGGGACCCCCTGGGATGCCAGGGG[T>G]GCCCGGCCCCATGGGCATCCCTGGAGAGCCAGGTGAGGAGGGCAGATACAAGCAGAAATT-3'
Protein context (NP_758957.2, residues 88-108): GPMGPPGMPG[Val98Gly]PGPMGIPGEP

ClinVar aggregate classification (germline): Uncertain significance. Review status: criteria provided, multiple submitters, no conflicts (2 of 4 stars). 2 submissions from 2 submitters: Uncertain significance (2). Last evaluated 2024-12-05.

Conditions:
Inborn genetic diseases. Identifiers: MedGen C0950123, MeSH D030342.

Allele frequency attached by ClinVar (database versions not stated): ExAC 0.00001; gnomAD 0.00001; TOPMed 0.00001; 1000 Genomes Project 30x 0.00016; 1000 Genomes Project 0.00020.
gnomAD v4.1: 2 of 1,613,624 alleles (0.00012%); highest among the groups gnomAD compares: East Asian, 0.0045%; no homozygotes.

Submissions (2):

Ambry Genetics
Classification: Uncertain significance for Inborn genetic diseases. Last evaluated: 2024-12-05. Review status: criteria provided, single submitter. Criteria: Ambry Variant Classification Scheme 2023. Collection method: clinical testing. Allele origin: germline.

Labcorp Genetics (formerly Invitae), Labcorp
Classification: Uncertain significance. Last evaluated: 2022-03-11. Review status: criteria provided, single submitter. Criteria: Invitae Variant Classification Sherloc (09022015). Collection method: clinical testing. Allele origin: germline.
Comment: In summary, the available evidence is currently insufficient to determine the role of this variant in disease. Therefore, it has been classified as a Variant of Uncertain Significance. Algorithms developed to predict the effect of missense changes on protein structure and function are either unavailable or do not agree on the potential impact of this missense change (SIFT: "Deleterious"; PolyPhen-2: "Benign"; Align-GVGD: "Class C0"). This variant has not been reported in the literature in individuals affected with C1QC-related conditions. This variant is present in population databases (rs573280002, gnomAD 0.02%). This sequence change replaces valine, which is neutral and non-polar, with glycine, which is neutral and non-polar, at codon 98 of the C1QC protein (p.Val98Gly).